The following is an entry in ClinVar:

ClinVar aggregate classification (germline): Uncertain significance. Review status: criteria provided, multiple submitters, no conflicts (2 of 4 stars). 3 submissions from 3 submitters: Uncertain significance (3). Last evaluated 2025-04-09.

Conditions:
Long QT syndrome (LQTS). Identifiers: MedGen C0023976, MeSH D008133, MONDO:0002442. Disease mechanism: loss of function. Inheritance: Various modes of inheritance.
Cardiovascular phenotype. Identifiers: MedGen CN230736.

Allele frequency attached by ClinVar (database versions not stated): gnomAD exomes below 0.00001; ExAC 0.00001; TOPMed 0.00001; ESP Exome Variant Server 0.00008.
gnomAD v4.1: 5 of 1,613,652 alleles (0.00031%); highest among the groups gnomAD compares: Non-Finnish European, 0.00042%; no homozygotes.

Submissions (3):

Molecular Diagnostic Laboratory for Inherited Cardiovascular Disease, Montreal Heart Institute
Classification: Uncertain significance for Cardiovascular phenotype. Last evaluated: 2025-04-09. Review status: criteria provided, single submitter. Criteria: ACMG Guidelines, 2015. Collection method: clinical testing. Allele origin: germline. Affected: yes.

Ambry Genetics
Classification: Uncertain significance for Cardiovascular phenotype. Last evaluated: 2023-05-15. Review status: criteria provided, single submitter. Criteria: Ambry Variant Classification Scheme 2023. Collection method: clinical testing. Allele origin: germline.
Comment: The p.T460A variant (also known as c.1378A>G), located in coding exon 13 of the ANK2 gene, results from an A to G substitution at nucleotide position 1378. The threonine at codon 460 is replaced by alanine, an amino acid with similar properties. This amino acid position is conserved. In addition, this alteration is predicted to be tolerated by in silico analysis. Since supporting evidence is limited at this time, the clinical significance of this alteration remains unclear.

Labcorp Genetics (formerly Invitae), Labcorp
Classification: Uncertain significance for Long QT syndrome. Last evaluated: 2022-08-20. Review status: criteria provided, single submitter. Criteria: Invitae Variant Classification Sherloc (09022015). Collection method: clinical testing. Allele origin: germline.
Comment: This sequence change replaces threonine, which is neutral and polar, with alanine, which is neutral and non-polar, at codon 460 of the ANK2 protein (p.Thr460Ala). This variant is present in population databases (rs368129159, gnomAD 0.0009%). This variant has not been reported in the literature in individuals affected with ANK2-related conditions. ClinVar contains an entry for this variant (Variation ID: 571657). Algorithms developed to predict the effect of missense changes on protein structure and function (SIFT, PolyPhen-2, Align-GVGD) all suggest that this variant is likely to be tolerated. In summary, the available evidence is currently insufficient to determine the role of this variant in disease. Therefore, it has been classified as a Variant of Uncertain Significance.

NM_001148.6(ANK2):c.1378A>G (p.Thr460Ala)

Gene: ANK2 (ankyrin 2; plus strand). Cytogenetic location: 4q26.
Variant type: single nucleotide variant.
Coding change: c.1378A>G on transcript NM_001148.6 (MANE Select); coding-DNA position 1378, A replaced by G.
Protein change: p.Thr460Ala; replaces threonine 460 with alanine.
Molecular consequence: missense variant. On other transcripts: intron variant (5).
Genome position (GRCh38, 1-based): chr4:113,258,403, A>G. VCF-style: chr4-113258403-A-G. GRCh37 (hg19) VCF-style: chr4-114179559-A-G.
Other names: c.1315A>G, p.Thr439Ala (NM_001127493.3, NM_001354239.2, NM_001354243.2 and 14 more transcripts); c.1378A>G, p.Thr460Ala (NM_001354225.2, NM_001354228.2, NM_001354232.2 and 8 more transcripts); c.1423A>G, p.Thr475Ala (NM_001354230.2, NM_001354231.2, NM_001354237.2 and 5 more transcripts); c.1291A>G, p.Thr431Ala (NM_001354249.2, NM_001354260.2, NM_001354264.2 and 13 more transcripts); c.1336A>G, p.Thr446Ala (NM_001354261.2, NM_001386147.1, NM_001386160.1); c.1366A>G, p.Thr456Ala (NM_001386148.2, NM_001386186.2); c.1429A>G, p.Thr477Ala (NM_001386174.1); c.1405A>G, p.Thr469Ala (NM_001386175.1); and 5 more; short protein forms T460A, T439A, T475A, T431A, T446A, T448A, T456A, T469A.
Identifiers: ClinVar variation 571657 (VCV000571657.8), dbSNP rs368129159, ClinGen allele CA3050270.